The following is an entry in ClinVar:

NM_000492.4(CFTR):c.3468G>A (p.Leu1156=)

Genes: CFTR (CF transmembrane conductance regulator; plus strand), CFTR-AS2 (CFTR antisense RNA 2; minus strand). Cytogenetic location: 7q31.2.
Variant type: single nucleotide variant.
Coding change: c.3468G>A on transcript NM_000492.4 (MANE Select); coding-DNA position 3468, G replaced by A.
Protein change: p.Leu1156=; no amino-acid change (leucine 1156 retained).
Molecular consequence: synonymous variant.
Genome position (GRCh38, 1-based): chr7:117,614,713, G>A. VCF-style: chr7-117614713-G-A. GRCh37 (hg19) VCF-style: chr7-117254767-G-A.
Other names: p.Leu1156=.
Identifiers: ClinVar variation 53750 (VCV000053750.38), dbSNP rs139729994, ClinGen allele CA242034.

ClinVar aggregate classification (germline): Pathogenic. Review status: reviewed by expert panel (3 of 4 stars). 17 submissions from 17 submitters: Pathogenic (1). 16 of the submissions do not count toward it. Last evaluated 2017-03-17.

Conditions:
CFTR-related disorder (CFTR-RD). Also called: CFTR-related condition; CFTR-related disorders. Identifiers: MedGen C5924204, MONDO:7770004.
Cystic fibrosis (CF). Also called: MUCOVISCIDOSIS. Identifiers: Orphanet 586, MedGen C0010674, MONDO:0009061, OMIM 219700. Disease mechanism: loss of function.
Hereditary pancreatitis (PCTT). Also called: PRSS1-Related Hereditary Pancreatitis; Hereditary chronic pancreatitis. Identifiers: Orphanet 676, MedGen C0238339, MONDO:0008185, OMIM 167800.
Bronchiectasis with or without elevated sweat chloride 1 (BESC1). Also called: Cystic Fibrosis-Like Syndrome. Identifiers: Orphanet 60033, MedGen C2749757, MONDO:0008887, OMIM 211400.
Congenital bilateral aplasia of vas deferens from CFTR mutation (CBAVD). Identifiers: Orphanet 48, MedGen C0403814, MONDO:0010178, OMIM 277180. Disease mechanism: loss of function.

Allele frequency attached by ClinVar (database versions not stated): gnomAD 0.00003.

Submissions 1 to 10 of 17:

CFTR2
Classification: Pathogenic for Cystic fibrosis. Last evaluated: 2017-03-17. Review status: reviewed by expert panel. Criteria: Sosnay PR et al. (Nat Genet 2013). Collection method: research. Allele origin: germline. Affected: yes. Study: CFTR2.

GeneDx
Classification: Pathogenic. Last evaluated: 2026-09-04. Review status: criteria provided, single submitter. Criteria: GeneDx Variant Classification Process June 2021. Collection method: clinical testing. Allele origin: germline. Not counted in ClinVar's aggregate classification.
Comment: Previously reported in a published abstract to cause skipping of exon 21 (referred to as exon 18 using alternate nomenclature) in one proband with a pathogenic p.F508del allele; however, a full publication presenting this data is not available (Zielenski et al, 1994).; In silico analysis supports a deleterious effect on splicing; Not observed at significant frequency in large population cohorts (gnomAD); This variant is associated with the following publications: (PMID: 24243928, 18463704, 15619636, 12833420, 21152102, 14685937, 23457292, 23951356, 23974870, 10923036, 31036917, 34782259, 42271629, 41536070, 28603918, 42019862, 41188291, 35647563, 38515211)

PreventionGenetics, part of Exact Sciences
Classification: Pathogenic for CFTR-related condition. Last evaluated: 2025-12-11. Review status: criteria provided, single submitter. Criteria: ACMG Guidelines, 2015. Collection method: clinical testing. Allele origin: germline. Not counted in ClinVar's aggregate classification.
Comment: The CFTR c.3468G>A variant is not predicted to result in an amino acid change (p.=). This variant, also described as 3600G>A using legacy nomenclature, has been reported in the compound heterozygous state in multiple unrelated individuals with cystic fibrosis (CF) including individuals noted to be pancreatic sufficient (Lim et al. 2014. PubMed ID: 24243928; Cystic Fibrosis Mutation Database; CFTR-France; CFTR2 database). This variant has also been reported in association with congenital absence of the vas deferens and pancreatitis (unknown phase, Claustres et al. 2000. PubMed ID: 10923036; homozygous state, CFTR-France). This variant has been classified as pathogenic in ClinVar by an expert panel and is reported in 0.0016% of alleles in individuals of European (Non-Finnish) descent in gnomAD. Based on the available evidence, we classify this variant as pathogenic.

Labcorp Genetics (formerly Invitae), Labcorp
Classification: Likely pathogenic for Cystic fibrosis. Last evaluated: 2025-09-05. Review status: criteria provided, single submitter. Criteria: Invitae Variant Classification Sherloc (09022015). Collection method: clinical testing. Allele origin: germline. Not counted in ClinVar's aggregate classification.
Comment: This sequence change affects codon 1156 of the CFTR mRNA. It is a 'silent' change, meaning that it does not change the encoded amino acid sequence of the CFTR protein. This variant also falls at the last nucleotide of exon 21, which is part of the consensus splice site for this exon. The frequency data for this variant in the population databases is considered unreliable, as metrics indicate poor data quality at this position in the gnomAD database. This variant has been observed in individual(s) with clinical features of CFTR-related conditions (PMID: 10923036, 28603918, 34782259; internal data). This variant is also known as 3600G>A. ClinVar contains an entry for this variant (Variation ID: 53750). Variants that disrupt the consensus splice site are a relatively common cause of aberrant splicing (PMID: 17576681, 9536098). Algorithms developed to predict the effect of sequence changes on RNA splicing suggest that this variant may disrupt the consensus splice site. In summary, the currently available evidence indicates that the variant is pathogenic, but additional data are needed to prove that conclusively. Therefore, this variant has been classified as Likely Pathogenic.

ARUP Laboratories, Molecular Genetics and Genomics, ARUP Laboratories
Classification: Pathogenic for Cystic fibrosis; Bronchiectasis with or without elevated sweat chloride 1; Hereditary pancreatitis; Congenital bilateral aplasia of vas deferens from CFTR mutation. Last evaluated: 2025-02-21. Review status: criteria provided, single submitter. Criteria: ARUP Molecular Germline Variant Investigation Process 2024. Collection method: clinical testing. Allele origin: germline. Not counted in ClinVar's aggregate classification.
Comment: The CFTR c.3468G>A; p.Leu1156= variant (rs139729994) is reported in the compound heterozygous state in individuals with cystic fibrosis (see links to CF databases). However, this variant has also been reported in the homozygous state in an individual with pancreatitis, and an individual with congenital bilateral absence of vas deferens (Claustres 2017, CFTR France Database). This variant is reported in ClinVar (Variation ID: 53750). It is only observed on two alleles in the Genome Aggregation Database, indicating it is not a common polymorphism. This is a synonymous variant located in the last nucleotide of exon 21 (exon 18 for traditional numbering), and computational analyses (Alamut Visual Plus v.1.5.1) predict that this variant may impact splicing by weakening the nearby canonical donor splice site. Functional studies using a mini-gene assay showed this variant does not produce correctly spliced CFTR RNA and protein in HEK293 cells (CFTR2 database). Based on available information, this variant is considered to be pathogenic with varying clinical consequences. REFERENCES Link to CFTR2 database: Link to Cystic Fibrosis Mutation Database: Claustres M et al. CFTR-France, a national relational patient database for sharing genetic and phenotypic data associated with rare CFTR variants. Hum Mutat. 2017 Oct;38(10):1297-1315. PMID: 28603918.

Ambry Genetics
Classification: Pathogenic for Cystic fibrosis. Last evaluated: 2024-08-27. Review status: criteria provided, single submitter. Criteria: Ambry Variant Classification Scheme 2023. Collection method: clinical testing. Allele origin: germline. Not counted in ClinVar's aggregate classification.
Comment: The c.3468G>A pathogenic mutation (also known as p.L1156L) is located in coding exon 21 of the CFTR gene. This variant results from a G to A substitution at nucleotide position 3468. This nucleotide substitution does not change the amino acid at codon 1156. However, this change occurs in the last base pair of coding exon 21, which makes it likely to have some effect on normal mRNA splicing. This variant has been detected in multiple individuals with cystic fibrosis in conjunction with a pathogenic mutation in CFTR by our laboratory. In addition, this mutation (also referred to as 3600G>A) has been reported in patients with cystic fibrosis (Claustres M et al. Hum. Mutat., 2000;16:143-56; Lim MT et al. Arch. Dis. Child., 2014 Mar;99:197-202). In an expression mini-gene assay, this mutation produced no correctly-spliced CFTR RNA and protein in HEK293 cells (The Clinical and Functional TRanslation of CFTR (CFTR2); available at CFTR2. Accessed September 14, 2017). This nucleotide position is well conserved in available vertebrate species. In silico splice site analysis predicts that this alteration will weaken the native splice donor site. Based on the supporting evidence, this alteration is interpreted as a disease-causing mutation.

Fulgent Genetics
Classification: Pathogenic for Hereditary pancreatitis; Bronchiectasis with or without elevated sweat chloride 1; Cystic fibrosis; Congenital bilateral aplasia of vas deferens from CFTR mutation. Last evaluated: 2024-05-02. Review status: criteria provided, single submitter. Criteria: ACMG Guidelines, 2015. Collection method: clinical testing. Allele origin: germline. Not counted in ClinVar's aggregate classification.

Baylor Genetics
Classification: Pathogenic for Bronchiectasis with or without elevated sweat chloride 1. Last evaluated: 2023-11-19. Review status: criteria provided, single submitter. Criteria: ACMG Guidelines, 2015. Collection method: clinical testing. Allele origin: unknown. Not counted in ClinVar's aggregate classification.

Blueprint Genetics
Classification: Pathogenic for CFTR-related disorders. Last evaluated: 2022-03-17. Review status: criteria provided, single submitter. Criteria: ACMG Guidelines, 2015. Collection method: clinical testing. Allele origin: germline. Affected: yes. Observed: 1 variant allele. Not counted in ClinVar's aggregate classification.

Mayo Clinic Laboratories, Mayo Clinic
Classification: Likely pathogenic. Last evaluated: 2021-08-04. Review status: criteria provided, single submitter. Criteria: ACMG Guidelines, 2015. Collection method: clinical testing. Allele origin: germline. Not counted in ClinVar's aggregate classification.
Comment: PP3, PP5, PM2, PM3_strong